The following is an entry in ClinVar:

ClinVar aggregate classification (germline): Likely benign. Review status: criteria provided, multiple submitters, no conflicts (2 of 4 stars). 4 submissions from 4 submitters: Likely benign (3). 1 of the submissions does not count toward it. Last evaluated 2026-01-26.

Conditions:
ANO6-related disorder. Also called: ANO6-related condition.

Allele frequency attached by ClinVar (database versions not stated): ESP Exome Variant Server 0.00015; gnomAD 0.00020; gnomAD exomes 0.00024; ExAC 0.00027.
gnomAD v4.1: 391 of 1,613,928 alleles (0.024%); highest among the groups gnomAD compares: South Asian, 0.064%; 1 homozygote.

Submissions (4):

Labcorp Genetics (formerly Invitae), Labcorp
Classification: Likely benign. Last evaluated: 2026-01-26. Review status: criteria provided, single submitter. Criteria: Invitae Variant Classification Sherloc (09022015). Collection method: clinical testing. Allele origin: germline.

Women's Health and Genetics/Laboratory Corporation of America, LabCorp
Classification: Likely benign. Last evaluated: 2025-05-27. Review status: criteria provided, single submitter. Criteria: LabCorp Variant Classification Summary - May 2015. Collection method: clinical testing. Allele origin: germline.

CeGaT Center for Human Genetics Tuebingen
Classification: Likely benign. Last evaluated: 2024-08-01. Review status: criteria provided, single submitter. Criteria: CeGaT Center For Human Genetics Tuebingen Variant Classification Criteria Version 2. Collection method: clinical testing. Allele origin: germline. Affected: yes. Observed: 1 variant allele.
Comment: ANO6: BP4, BP7

PreventionGenetics, part of Exact Sciences
Classification: Likely benign for ANO6-related condition. Last evaluated: 2019-08-28. Review status: no assertion criteria provided. Collection method: clinical testing. Allele origin: germline. Not counted in ClinVar's aggregate classification.
Comment: This variant is classified as likely benign based on ACMG/AMP sequence variant interpretation guidelines (Richards et al. 2015 PMID: 25741868, with internal and published modifications).

NM_001025356.3(ANO6):c.1650C>G (p.Leu550=)

Gene: ANO6 (anoctamin 6; plus strand). Cytogenetic location: 12q12.
Variant type: single nucleotide variant.
Coding change: c.1650C>G on transcript NM_001025356.3 (MANE Select); coding-DNA position 1650, C replaced by G.
Protein change: p.Leu550=; no amino-acid change (leucine 550 retained).
Molecular consequence: synonymous variant.
Genome position (GRCh38, 1-based): chr12:45,403,109, C>G. VCF-style: chr12-45403109-C-G. GRCh37 (hg19) VCF-style: chr12-45796892-C-G.
Other names: c.1650C>G (NM_001025356.2); c.1596C>G, p.Leu532= (NM_001142678.2); c.1650C>G, p.Leu550= (NM_001142679.2); c.1713C>G, p.Leu571= (NM_001204803.2); c.1617C>G, p.Leu539= (NM_001410973.1).
Identifiers: ClinVar variation 2056697 (VCV002056697.21), dbSNP rs200199011, ClinGen allele CA6525405.